The following is an entry in ClinVar:

ClinVar aggregate classification (germline): Uncertain significance. Review status: criteria provided, multiple submitters, no conflicts (2 of 4 stars). 3 submissions from 3 submitters: Uncertain significance (3). Last evaluated 2025-11-18.

Conditions:
Hereditary cancer-predisposing syndrome. Also called: Hereditary Cancer Syndrome; Neoplastic Syndromes, Hereditary; Tumor predisposition; Hereditary neoplastic syndrome. Identifiers: Orphanet 140162, MedGen C0027672, MeSH D009386, MONDO:0015356.
Hereditary breast ovarian cancer syndrome. Also called: Hereditary breast and ovarian cancer syndrome; Hereditary breast and ovarian cancer; Hereditary breast and ovarian cancer syndrome (HBOC); Breast and ovarian cancer; Hereditary breast and/or ovarian cancer syndrome; BRCA1- and BRCA2-Associated Hereditary Breast and Ovarian Cancer. Identifiers: Orphanet 145, MedGen C0677776, MeSH D061325, MONDO:0003582. Disease mechanism: loss of function.

gnomAD v4.1: 1 of 1,613,884 alleles (0.000062%); highest among the groups gnomAD compares: African/African-American, 0.0013%; no homozygotes.

Submissions (3):

Color Diagnostics, LLC DBA Color Health
Classification: Uncertain significance for Hereditary cancer-predisposing syndrome. Last evaluated: 2025-11-18. Review status: criteria provided, single submitter. Criteria: ACMG Guidelines, 2015. Collection method: clinical testing. Allele origin: germline.
Comment: This missense variant replaces proline with alanine at codon 2408 of the BRCA2 protein. Computational prediction suggests that this variant may not impact protein structure and function. To our knowledge, functional studies have not been reported for this variant. A multifactorial analysis reached a likelihood ratio (LR) of 0.692 based on case-control data (PMID: 40413188). This variant has been identified in 1/1613884 chromosomes in the general population by the Genome Aggregation Database (gnomAD). The available evidence is insufficient to determine the role of this variant in disease conclusively. Therefore, this variant is classified as a Variant of Uncertain Significance.

Labcorp Genetics (formerly Invitae), Labcorp
Classification: Uncertain significance for Hereditary breast ovarian cancer syndrome. Last evaluated: 2021-09-01. Review status: criteria provided, single submitter. Criteria: Invitae Variant Classification Sherloc (09022015). Collection method: clinical testing. Allele origin: germline.
Comment: This sequence change replaces proline with alanine at codon 2408 of the BRCA2 protein (p.Pro2408Ala). The proline residue is highly conserved and there is a small physicochemical difference between proline and alanine. This variant is not present in population databases (ExAC no frequency). This variant has not been reported in the literature in individuals affected with BRCA2-related conditions. ClinVar contains an entry for this variant (Variation ID: 480893). Advanced modeling of protein sequence and biophysical properties (such as structural, functional, and spatial information, amino acid conservation, physicochemical variation, residue mobility, and thermodynamic stability) performed at Invitae indicates that this missense variant is not expected to disrupt BRCA2 protein function. In summary, the available evidence is currently insufficient to determine the role of this variant in disease. Therefore, it has been classified as a Variant of Uncertain Significance.

Ambry Genetics
Classification: Uncertain significance for Hereditary cancer-predisposing syndrome. Last evaluated: 2021-03-02. Review status: criteria provided, single submitter. Criteria: Ambry Variant Classification Scheme 2023. Collection method: clinical testing. Allele origin: germline.
Comment: The p.P2408A variant (also known as c.7222C>G), located in coding exon 13 of the BRCA2 gene, results from a C to G substitution at nucleotide position 7222. The proline at codon 2408 is replaced by alanine, an amino acid with highly similar properties. This amino acid position is highly conserved in available vertebrate species. In addition, the in silico prediction for this alteration is inconclusive. Since supporting evidence is limited at this time, the clinical significance of this alteration remains unclear.

Literature cited by the submitters: PubMed 40413188 (cited by Color Diagnostics, LLC DBA Color Health).

NM_000059.4(BRCA2):c.7222C>G (p.Pro2408Ala)

Gene: BRCA2 (BRCA2 DNA repair associated; plus strand). Cytogenetic location: 13q13.1.
Variant type: single nucleotide variant.
Coding change: c.7222C>G on transcript NM_000059.4 (MANE Select); coding-DNA position 7222, C replaced by G.
Protein change: p.Pro2408Ala; replaces proline 2408 with alanine.
Molecular consequence: missense variant.
Genome position (GRCh38, 1-based): chr13:32,355,075, C>G. VCF-style: chr13-32355075-C-G. GRCh37 (hg19) VCF-style: chr13-32929212-C-G.
Other names: short protein forms P2408A.
Identifiers: ClinVar variation 480893 (VCV000480893.12), dbSNP rs398122577, ClinGen allele CA387740133.